The following is an entry in ClinVar:

NM_005051.3(QARS1):c.2320A>G (p.Lys774Glu)

Gene: QARS1 (glutaminyl-tRNA synthetase 1; minus strand). Cytogenetic location: 3p21.31.
Variant type: single nucleotide variant.
Coding change: c.2320A>G on transcript NM_005051.3 (MANE Select); coding-DNA position 2320, A replaced by G.
Protein change: p.Lys774Glu; replaces lysine 774 with glutamic acid.
Molecular consequence: missense variant. On other transcripts: non-coding transcript variant (1).
Genome position (GRCh38, 1-based): chr3:49,096,037, T>C on the plus strand (A>G on the coding strand, the complement: QARS1 is on the minus strand). VCF-style: chr3-49096037-T-C. GRCh37 (hg19) VCF-style: chr3-49133470-T-C.
Other names: c.2287A>G, p.Lys763Glu (NM_001272073.2); c.2320A>G (NM_005051.1); short protein forms K763E, K774E.
Identifiers: ClinVar variation 1488799 (VCV001488799.9), dbSNP rs373300144, ClinGen allele CA2391438.

ClinVar aggregate classification (germline): Uncertain significance. Review status: criteria provided, multiple submitters, no conflicts (2 of 4 stars). 2 submissions from 2 submitters: Uncertain significance (2). Last evaluated 2025-09-26.

Conditions:
Inborn genetic diseases. Identifiers: MedGen C0950123, MeSH D030342.
Diffuse cerebral and cerebellar atrophy - intractable seizures - progressive microcephaly syndrome. Also called: Microcephaly, progressive, with seizures and cerebral and cerebellar atrophy. Identifiers: Orphanet 404437, MedGen C4014239, MONDO:0014335, OMIM 615760.

Allele frequency attached by ClinVar (database versions not stated): gnomAD 0.00001; TOPMed 0.00001; gnomAD exomes 0.00002 and 0.00003; ExAC 0.00007; ESP Exome Variant Server 0.00008.

Submissions (2):

Ambry Genetics
Classification: Uncertain significance for Inborn genetic diseases. Last evaluated: 2025-09-26. Review status: criteria provided, single submitter. Criteria: Ambry Variant Classification Scheme 2023. Collection method: clinical testing. Allele origin: germline.

Labcorp Genetics (formerly Invitae), Labcorp
Classification: Uncertain significance for Diffuse cerebral and cerebellar atrophy - intractable seizures - progressive microcephaly syndrome. Last evaluated: 2021-05-26. Review status: criteria provided, single submitter. Criteria: Invitae Variant Classification Sherloc (09022015). Collection method: clinical testing. Allele origin: germline.
Comment: In summary, the available evidence is currently insufficient to determine the role of this variant in disease. Therefore, it has been classified as a Variant of Uncertain Significance. Algorithms developed to predict the effect of missense changes on protein structure and function are either unavailable or do not agree on the potential impact of this missense change (SIFT: "Deleterious"; PolyPhen-2: "Benign"; Align-GVGD: "Class C55"). This variant has not been reported in the literature in individuals with QARS-related conditions. This variant is present in population databases (rs373300144, ExAC 0.01%). This sequence change replaces lysine with glutamic acid at codon 774 of the QARS protein (p.Lys774Glu). The lysine residue is highly conserved and there is a small physicochemical difference between lysine and glutamic acid.